The following is an entry in ClinVar:

NM_001267550.2(TTN):c.104715_104717delinsGG (p.Phe34905fs)

Genes: TTN (titin; minus strand), TTN-AS1 (TTN antisense RNA 1; plus strand). Cytogenetic location: 2q31.2.
Variant type: Indel.
Coding change: c.104715_104717delinsGG on transcript NM_001267550.2 (MANE Select); coding-DNA positions 104715 to 104717, TGA replaced by GG.
Protein change: p.Phe34905fs; shifts the reading frame from phenylalanine 34905.
Molecular consequence: frameshift variant.
Genome position (GRCh38, 1-based): chr2:178,531,898-178,531,900, TCA replaced by CC on the plus strand (TGA replaced by GG on the coding strand, the reverse complement: TTN is on the minus strand). VCF-style: chr2-178531898-TCA-CC. GRCh37 (hg19) VCF-style: chr2-179396625-TCA-CC.
Other names: c.99792_99794delinsGG, p.Phe33264fs (NM_001256850.1); c.77520_77522delinsGG, p.Phe25840fs (NM_003319.4); c.97011_97013delinsGG, p.Phe32337fs (NM_133378.4); c.77895_77897delinsGG, p.Phe25965fs (NM_133432.3); c.78096_78098delinsGG, p.Phe26032fs (NM_133437.4); short protein forms F25840fs, F25965fs, F26032fs, F32337fs, F33264fs, F34905fs.
Identifiers: ClinVar variation 5010325 (VCV005010325.1).

ClinVar aggregate classification (germline): Likely pathogenic (1 of 4 stars; one submission).

Conditions:
Dilated and arrhythmogenic cardiomyopathy.

Submission:

North West Genomic Laboratory Hub, Manchester University NHS Foundation Trust
Classification: Likely pathogenic for Dilated and arrhythmogenic cardiomyopathy. Last evaluated: 2026-09-29. Review status: criteria provided, single submitter. Criteria: ACGS Best Practice Guidelines for Variant Classification in Rare Disease 2024. Collection method: clinical testing. Allele origin: germline. Affected: yes.
Comment: PM2_Mod PVS1_Str PM3_Supp